The following is an entry in ClinVar:

NM_198904.4(GABRG2):c.420C>T (p.Asn140=)

Gene: GABRG2 (gamma-aminobutyric acid type A receptor subunit gamma2; plus strand). Cytogenetic location: 5q34.
Variant type: single nucleotide variant.
Coding change: c.420C>T on transcript NM_198904.4 (MANE Select); coding-DNA position 420, C replaced by T.
Protein change: p.Asn140=; no amino-acid change (asparagine 140 retained).
Molecular consequence: synonymous variant. On other transcripts: 5 prime UTR variant (2).
Genome position (GRCh38, 1-based): chr5:162,097,730, C>T. VCF-style: chr5-162097730-C-T. GRCh37 (hg19) VCF-style: chr5-161524736-C-T.
Other names: c.420C>T, p.Asn140= (NM_000816.3, NM_001375340.1, NM_001375341.1 and 4 more transcripts); c.411C>T, p.Asn137= (NM_001375339.1); c.354C>T, p.Asn118= (NM_001375345.1, NM_001375346.1); c.333C>T, p.Asn111= (NM_001375347.1); c.-1C>T (NM_001375348.1, NM_001375350.1); c.135C>T, p.Asn45= (NM_001375349.1).
Identifiers: ClinVar variation 668302 (VCV000668302.9), dbSNP rs1581350860, ClinGen allele CA447609588.

ClinVar aggregate classification (germline): Likely benign. Review status: criteria provided, multiple submitters, no conflicts (2 of 4 stars). 2 submissions from 2 submitters: Likely benign (2). Last evaluated 2023-03-30.

Conditions:
EPILEPSY, CHILDHOOD ABSENCE, SUSCEPTIBILITY TO, 2 (ECA2). Identifiers: Orphanet 64280, MedGen C1843244, OMIM 607681.
Febrile seizures, familial, 8 (FEB8). Also called: CONVULSIONS, FAMILIAL FEBRILE, 8. Identifiers: Orphanet 36387, MedGen C1969810, MONDO:0011891, OMIM 607681.

Allele frequency attached by ClinVar (database versions not stated): TOPMed below 0.00001; gnomAD 0.00001; gnomAD exomes 0.00001.
gnomAD v4.1: 5 of 1,613,682 alleles (0.00031%); highest among the groups gnomAD compares: African/African-American, 0.004%; no homozygotes.

Submissions (2):

Labcorp Genetics (formerly Invitae), Labcorp
Classification: Likely benign for Febrile seizures, familial, 8; EPILEPSY, CHILDHOOD ABSENCE, SUSCEPTIBILITY TO, 2. Last evaluated: 2023-03-30. Review status: criteria provided, single submitter. Criteria: Invitae Variant Classification Sherloc (09022015). Collection method: clinical testing. Allele origin: germline.

GeneDx
Classification: Likely benign. Last evaluated: 2018-05-14. Review status: criteria provided, single submitter. Criteria: GeneDx Variant Classification (06012015). Collection method: clinical testing. Allele origin: germline. Affected: yes.
Comment: This variant is considered likely benign or benign based on one or more of the following criteria: it is a conservative change, it occurs at a poorly conserved position in the protein, it is predicted to be benign by multiple in silico algorithms, and/or has population frequency not consistent with disease.